The following is an entry in ClinVar:

ClinVar aggregate classification (germline): Uncertain significance. Review status: criteria provided, multiple submitters, no conflicts (2 of 4 stars). 2 submissions from 2 submitters: Uncertain significance (2). Last evaluated 2022-03-10.

Allele frequency attached by ClinVar (database versions not stated): gnomAD 0.00001; gnomAD exomes 0.00001.
gnomAD v4.1: 4 of 1,612,960 alleles (0.00025%); highest among the groups gnomAD compares: Admixed American, 0.0017%; no homozygotes.

Submissions (2):

Labcorp Genetics (formerly Invitae), Labcorp
Classification: Uncertain significance. Last evaluated: 2022-03-10. Review status: criteria provided, single submitter. Criteria: Invitae Variant Classification Sherloc (09022015). Collection method: clinical testing. Allele origin: germline.
Comment: In summary, the available evidence is currently insufficient to determine the role of this variant in disease. Therefore, it has been classified as a Variant of Uncertain Significance. Algorithms developed to predict the effect of missense changes on protein structure and function are either unavailable or do not agree on the potential impact of this missense change (SIFT: "Deleterious"; PolyPhen-2: "Benign"; Align-GVGD: "Class C0"). ClinVar contains an entry for this variant (Variation ID: 129514). This variant has not been reported in the literature in individuals affected with LRP2-related conditions. This variant is present in population databases (rs587780384, gnomAD 0.003%). This sequence change replaces methionine, which is neutral and non-polar, with threonine, which is neutral and polar, at codon 913 of the LRP2 protein (p.Met913Thr).

Genetic Services Laboratory, University of Chicago
Classification: Uncertain significance. Last evaluated: 2014-02-18. Review status: criteria provided, single submitter. Criteria: ACMG Guidelines, 2007. Collection method: clinical testing. Allele origin: germline. Inheritance: Autosomal recessive inheritance.

NM_004525.3(LRP2):c.2738T>C (p.Met913Thr)

Gene: LRP2 (LDL receptor related protein 2; minus strand). Cytogenetic location: 2q31.1.
Variant type: single nucleotide variant.
Coding change: c.2738T>C on transcript NM_004525.3 (MANE Select); coding-DNA position 2738, T replaced by C.
Protein change: p.Met913Thr; replaces methionine 913 with threonine.
Molecular consequence: missense variant.
Genome position (GRCh38, 1-based): chr2:169,256,138, A>G on the plus strand (T>C on the coding strand, the complement: LRP2 is on the minus strand). VCF-style: chr2-169256138-A-G. GRCh37 (hg19) VCF-style: chr2-170112648-A-G.
Other names: short protein forms M913T.
Identifiers: ClinVar variation 129514 (VCV000129514.9), dbSNP rs587780384, ClinGen allele CA231250.
Genomic context (GRCh38, chr2:169,256,138, plus strand): 5'-TACATACTTTTATTGCTTTAAAACATACCTCCAAAGATGGCAAGTCCAAACGGATGTGTC[A>G]TCTGCTCTATATGGCCCAGTCTTCTTCTGTCTAAACCATCAAAGGTGCTGTGCTCAATTT-3'
Protein context (NP_004516.2, residues 903-923): DRRRLGHIEQ[Met913Thr]THPFGLAIFG